The following is an entry in ClinVar:

NM_001252102.2(KIF21B):c.3347G>T (p.Gly1116Val)

Gene: KIF21B (kinesin family member 21B; minus strand). Cytogenetic location: 1q32.1.
Variant type: single nucleotide variant.
Coding change: c.3347G>T on transcript NM_001252102.2 (MANE Select); coding-DNA position 3347, G replaced by T.
Protein change: p.Gly1116Val; replaces glycine 1116 with valine.
Molecular consequence: missense variant.
Genome position (GRCh38, 1-based): chr1:200,988,496, C>A on the plus strand (G>T on the coding strand, the complement: KIF21B is on the minus strand). VCF-style: chr1-200988496-C-A. GRCh37 (hg19) VCF-style: chr1-200957624-C-A.
Other names: c.3347G>T, p.Gly1116Val (NM_001252100.2, NM_001252103.2, NM_017596.4); short protein forms G1116V.
Identifiers: ClinVar variation 4755581 (VCV004755581.1).

ClinVar aggregate classification (germline): Uncertain significance (1 of 4 stars; one submission).

Submission:

GeneDx
Classification: Uncertain significance. Last evaluated: 2025-08-06. Review status: criteria provided, single submitter. Criteria: GeneDx Variant Classification Process June 2021. Collection method: clinical testing. Allele origin: germline. Affected: yes.
Comment: Not observed at significant frequency in large population cohorts (gnomAD); In silico analysis supports that this missense variant has a deleterious effect on protein structure/function; Has not been previously published as pathogenic or benign to our knowledge